The following is an entry in ClinVar:

ClinVar aggregate classification (germline): Uncertain significance (1 of 4 stars; one submission).

gnomAD v4.1: 13 of 1,613,884 alleles (0.00081%); highest among the groups gnomAD compares: Non-Finnish European, 0.001%; no homozygotes.

Submission:

Labcorp Genetics (formerly Invitae), Labcorp
Classification: Uncertain significance. Last evaluated: 2025-10-23. Review status: criteria provided, single submitter. Criteria: Invitae Variant Classification Sherloc (09022015). Collection method: clinical testing. Allele origin: germline.
Comment: This sequence change replaces arginine, which is basic and polar, with glycine, which is neutral and non-polar, at codon 148 of the MYH3 protein (p.Arg148Gly). This variant is not present in population databases (gnomAD no frequency). This variant has not been reported in the literature in individuals affected with MYH3-related conditions. Invitae Evidence Modeling of protein sequence and biophysical properties (such as structural, functional, and spatial information, amino acid conservation, physicochemical variation, residue mobility, and thermodynamic stability) has been performed for this missense variant. However, the output from this modeling did not meet the statistical confidence thresholds required to predict the impact of this variant on MYH3 protein function. In summary, the available evidence is currently insufficient to determine the role of this variant in disease. Therefore, it has been classified as a Variant of Uncertain Significance.

NM_002470.4(MYH3):c.442C>G (p.Arg148Gly)

Gene: MYH3 (myosin heavy chain 3; minus strand). Cytogenetic location: 17p13.1.
Variant type: single nucleotide variant.
Coding change: c.442C>G on transcript NM_002470.4 (MANE Select); coding-DNA position 442, C replaced by G.
Protein change: p.Arg148Gly; replaces arginine 148 with glycine.
Molecular consequence: missense variant.
Genome position (GRCh38, 1-based): chr17:10,651,575, G>C on the plus strand (C>G on the coding strand, the complement: MYH3 is on the minus strand). VCF-style: chr17-10651575-G-C. GRCh37 (hg19) VCF-style: chr17-10554892-G-C.
Other names: short protein forms R148G.
Identifiers: ClinVar variation 4805710 (VCV004805710.1).
Genomic context (GRCh38, chr17:10,651,575, plus strand): 5'-TCAGCATGAACTGATAGGCGTTGTCAGAGATGGAGAAGATGTGGGGTGGGGCCTCCTGGC[G>C]CTTTTTGCCTCGGTAGCCTTCCACCACCTCGGGGTTGTACACCGGCAGCCACTTGTAGGG-3'
Protein context (NP_002461.2, residues 138-158): EVVEGYRGKK[Arg148Gly]QEAPPHIFSI